The following is an entry in ClinVar:

NM_004006.3(DMD):c.4243T>A (p.Ser1415Thr)

Gene: DMD (dystrophin; minus strand). Cytogenetic location: Xp21.1.
Variant type: single nucleotide variant.
Coding change: c.4243T>A on transcript NM_004006.3 (MANE Select); coding-DNA position 4243, T replaced by A.
Protein change: p.Ser1415Thr; replaces serine 1415 with threonine.
Molecular consequence: missense variant.
Genome position (GRCh38, 1-based): chrX:32,390,172, A>T on the plus strand (T>A on the coding strand, the complement: DMD is on the minus strand). VCF-style: chrX-32390172-A-T. GRCh37 (hg19) VCF-style: chrX-32408289-A-T.
Other names: c.4219T>A, p.Ser1407Thr (NM_000109.4); c.4231T>A, p.Ser1411Thr (NM_004009.3); c.3874T>A, p.Ser1292Thr (NM_004010.3); c.220T>A, p.Ser74Thr (NM_004011.4); c.211T>A, p.Ser71Thr (NM_004012.4); short protein forms S1415T, S1292T, S1411T, S1407T, S74T, S71T.
Identifiers: ClinVar variation 1997858 (VCV001997858.1), dbSNP rs2523135649, ClinGen allele CA412664237.

ClinVar aggregate classification (germline): Uncertain significance (1 of 4 stars; one submission).

Conditions:
Duchenne muscular dystrophy (DMD). Also called: MUSCULAR DYSTROPHY, PSEUDOHYPERTROPHIC PROGRESSIVE, DUCHENNE TYPE; Duchenne Muscular Dystrophy (DMD). Identifiers: Orphanet 98896, MedGen C0013264, MONDO:0010679, OMIM 310200.

Submission:

Labcorp Genetics (formerly Invitae), Labcorp
Classification: Uncertain significance for Duchenne muscular dystrophy. Last evaluated: 2022-05-22. Review status: criteria provided, single submitter. Criteria: Invitae Variant Classification Sherloc (09022015). Collection method: clinical testing. Allele origin: germline.
Comment: This sequence change replaces serine, which is neutral and polar, with threonine, which is neutral and polar, at codon 1415 of the DMD protein (p.Ser1415Thr). This variant is not present in population databases (gnomAD no frequency). This variant has not been reported in the literature in individuals affected with DMD-related conditions. Algorithms developed to predict the effect of missense changes on protein structure and function are either unavailable or do not agree on the potential impact of this missense change (SIFT: "Tolerated"; PolyPhen-2: "Possibly Damaging"; Align-GVGD: "Class C0"). In summary, the available evidence is currently insufficient to determine the role of this variant in disease. Therefore, it has been classified as a Variant of Uncertain Significance.